The following is an entry in ClinVar:

NM_021072.4(HCN1):c.125C>G (p.Pro42Arg)

Gene: HCN1 (hyperpolarization activated cyclic nucleotide gated potassium channel 1; minus strand). Cytogenetic location: 5p12.
Variant type: single nucleotide variant.
Coding change: c.125C>G on transcript NM_021072.4 (MANE Select); coding-DNA position 125, C replaced by G.
Protein change: p.Pro42Arg; replaces proline 42 with arginine.
Molecular consequence: missense variant.
Genome position (GRCh38, 1-based): chr5:45,695,969, G>C on the plus strand (C>G on the coding strand, the complement: HCN1 is on the minus strand). VCF-style: chr5-45695969-G-C. GRCh37 (hg19) VCF-style: chr5-45696071-G-C.
Other names: short protein forms P42R.
Identifiers: ClinVar variation 3635385 (VCV003635385.2).
Genomic context (GRCh38, chr5:45,695,969, plus strand): 5'-TCCACCTTGAAGCACACGGAGTTGCCGTGCTCCTTCGCGCCGGCCCCGCCGCCCCCCGGC[G>C]GGGTGCCCAGGCGCTTCTCGGCCGCGGCCGGCCCCGCGCCCGTCGCGGACGCCTTGGCGG-3'
Protein context (NP_066550.2, residues 32-52): PAAAEKRLGT[Pro42Arg]PGGGGAGAKE

ClinVar aggregate classification (germline): Uncertain significance (1 of 4 stars; one submission).

Conditions:
Early-infantile DEE. Also called: Early infantile epileptic encephalopathy; Ohtahara syndrome; Early infantile epileptic encephalopathy with suppression bursts. Identifiers: Orphanet 1934, MedGen C0393706, MONDO:0800491.

gnomAD v4.1: 1 of 1,321,712 alleles (0.000076%); highest among the groups gnomAD compares: South Asian, 0.002%; no homozygotes.

Submission:

Labcorp Genetics (formerly Invitae), Labcorp
Classification: Uncertain significance for Early-infantile DEE. Last evaluated: 2024-02-23. Review status: criteria provided, single submitter. Criteria: Invitae Variant Classification Sherloc (09022015). Collection method: clinical testing. Allele origin: germline.
Comment: This sequence change replaces proline, which is neutral and non-polar, with arginine, which is basic and polar, at codon 42 of the HCN1 protein (p.Pro42Arg). This variant is not present in population databases (gnomAD no frequency). This variant has not been reported in the literature in individuals affected with HCN1-related conditions. Advanced modeling of protein sequence and biophysical properties (such as structural, functional, and spatial information, amino acid conservation, physicochemical variation, residue mobility, and thermodynamic stability) performed at Invitae indicates that this missense variant is not expected to disrupt HCN1 protein function with a negative predictive value of 95%. In summary, the available evidence is currently insufficient to determine the role of this variant in disease. Therefore, it has been classified as a Variant of Uncertain Significance.